The following is an entry in ClinVar:

ClinVar aggregate classification (germline): Uncertain significance (1 of 4 stars; one submission).

Conditions:
Landau-Kleffner syndrome (FESD). Also called: EPILEPSY, FOCAL, WITH SPEECH DISORDER AND WITH OR WITHOUT MENTAL RETARDATION; APHASIA, ACQUIRED, WITH EPILEPSY. Identifiers: Orphanet 1945, Orphanet 725, Orphanet 98818, MedGen C0282512, MONDO:0009509, OMIM 245570.

Submission:

3billion
Classification: Uncertain significance for Landau-Kleffner syndrome. Last evaluated: 2023-02-23. Review status: criteria provided, single submitter. Criteria: ACMG Guidelines, 2015. Collection method: clinical testing. Allele origin: unknown. Affected: yes.
Comment: The variant is not observed in the gnomAD v2.1.1 dataset. In silico tool predictions suggest damaging effect of the variant on gene or gene product (REVEL: 0.60). Therefore, this variant is classified as VUS according to the recommendation of ACMG/AMP guideline.

NM_001134407.3(GRIN2A):c.253C>G (p.His85Asp)

Gene: GRIN2A (glutamate ionotropic receptor NMDA type subunit 2A; minus strand). Cytogenetic location: 16p13.2.
Variant type: single nucleotide variant.
Coding change: c.253C>G on transcript NM_001134407.3 (MANE Select); coding-DNA position 253, C replaced by G.
Protein change: p.His85Asp; replaces histidine 85 with aspartic acid.
Molecular consequence: missense variant.
Genome position (GRCh38, 1-based): chr16:10,180,159, G>C on the plus strand (C>G on the coding strand, the complement: GRIN2A is on the minus strand). VCF-style: chr16-10180159-G-C. GRCh37 (hg19) VCF-style: chr16-10274016-G-C.
Other names: c.253C>G, p.His85Asp (NM_000833.5, NM_001134408.2); short protein forms H85D.
Identifiers: ClinVar variation 2444252 (VCV002444252.1), dbSNP rs2142389435, ClinGen allele CA394715418.